The following is an entry in ClinVar:

ClinVar aggregate classification (germline): Likely benign (1 of 4 stars; one submission).

Submission:

Molecular Diagnostic Laboratory for Inherited Cardiovascular Disease, Montreal Heart Institute
Classification: Likely benign. Last evaluated: 2026-09-21. Review status: criteria provided, single submitter. Criteria: ACMG Guidelines, 2015. Collection method: clinical testing. Allele origin: germline. Affected: no.
Comment: BP7

NM_017636.4(TRPM4):c.2157G>A (p.Arg719=)

Gene: TRPM4 (transient receptor potential cation channel subfamily M member 4; plus strand). Cytogenetic location: 19q13.33.
Variant type: single nucleotide variant.
Coding change: c.2157G>A on transcript NM_017636.4 (MANE Select); coding-DNA position 2157, G replaced by A.
Protein change: p.Arg719=; no amino-acid change (arginine 719 retained).
Molecular consequence: synonymous variant.
Genome position (GRCh38, 1-based): chr19:49,190,720, G>A. VCF-style: chr19-49190720-G-A. GRCh37 (hg19) VCF-style: chr19-49693977-G-A.
Other names: c.2157G>A, p.Arg719= (NM_001195227.2); c.1812G>A, p.Arg604= (NM_001321281.2); c.549G>A, p.Arg183= (NM_001321282.2); c.1635G>A, p.Arg545= (NM_001321283.2); c.1095G>A, p.Arg365= (NM_001321285.2).
Identifiers: ClinVar variation 5037870 (VCV005037870.1).